The following is an entry in ClinVar:

NM_003738.5(PTCH2):c.1543A>G (p.Met515Val)

Gene: PTCH2 (patched 2; minus strand). Cytogenetic location: 1p34.1.
Variant type: single nucleotide variant.
Coding change: c.1543A>G on transcript NM_003738.5 (MANE Select); coding-DNA position 1543, A replaced by G.
Protein change: p.Met515Val; replaces methionine 515 with valine.
Molecular consequence: missense variant.
Genome position (GRCh38, 1-based): chr1:44,828,553, T>C on the plus strand (A>G on the coding strand, the complement: PTCH2 is on the minus strand). VCF-style: chr1-44828553-T-C. GRCh37 (hg19) VCF-style: chr1-45294225-T-C.
Other names: c.1543A>G, p.Met515Val (NM_001166292.2); short protein forms M515V.
Identifiers: ClinVar variation 2268383 (VCV002268383.6), dbSNP rs1653273122, ClinGen allele CA340100792.
Genomic context (GRCh38, chr1:44,828,553, plus strand): 5'-TGAGAGGCCTCACCTGTAGGGAGAAGGCTCGCAGCGCAGGGATGGGAACGAGGGCAGCCA[T>C]GAGGAAGGCGGCCATGTTGTTGATGGATGTGAGTACGACACTGGTGCCCGTGCGCTGCAG-3'
Protein context (NP_003729.3, residues 505-525): TSINNMAAFL[Met515Val]AALVPIPALR

ClinVar aggregate classification (germline): Uncertain significance. Review status: criteria provided, multiple submitters, no conflicts (2 of 4 stars). 3 submissions from 3 submitters: Uncertain significance (3). Last evaluated 2026-02-11.

Conditions:
Basal cell nevus syndrome 1 (BCNS1). Also called: GORLIN-GOLTZ SYNDROME; MULTIPLE BASAL CELL NEVI, ODONTOGENIC KERATOCYSTS, AND SKELETAL ANOMALIES. Identifiers: MedGen CN376810, MONDO:0958174, OMIM 109400.
Gorlin syndrome. Also called: Basal cell nevus syndrome; Nevoid Basal Cell Carcinoma Syndrome. Identifiers: Orphanet 377, MedGen C0004779, MONDO:0007187.

Allele frequency attached by ClinVar (database versions not stated): TOPMed 0.00001.
gnomAD v4.1: 1 of 1,614,070 alleles (0.000062%); highest among the groups gnomAD compares: East Asian, 0.0022%; no homozygotes.

Submissions (3):

St. Jude Molecular Pathology, St. Jude Children's Research Hospital
Classification: Uncertain significance for Basal cell nevus syndrome 1. Last evaluated: 2026-02-11. Review status: criteria provided, single submitter. Criteria: St. Jude Assertion Criteria 2020. Collection method: clinical testing. Allele origin: germline.
Comment: The PTCH2 c.1543A>G p.(Met515Val) missense change is absent in gnomAD v2.1.1. The in silico tool REVEL is inconclusive about a pathogenic or benign effect of this variant on protein function, and to our knowledge functional studies have not been performed. To our knowledge, this variant has not been reported in individuals with nevoid basal cell carcinoma syndrome. In summary, the evidence currently available is insufficient to determine the clinical significance of this variant. It has therefore been classified as of uncertain significance.

Labcorp Genetics (formerly Invitae), Labcorp
Classification: Uncertain significance for Gorlin syndrome. Last evaluated: 2025-02-07. Review status: criteria provided, single submitter. Criteria: Invitae Variant Classification Sherloc (09022015). Collection method: clinical testing. Allele origin: germline.
Comment: This sequence change replaces methionine, which is neutral and non-polar, with valine, which is neutral and non-polar, at codon 515 of the PTCH2 protein (p.Met515Val). This variant is not present in population databases (gnomAD no frequency). This variant has not been reported in the literature in individuals affected with PTCH2-related conditions. ClinVar contains an entry for this variant (Variation ID: 2268383). Invitae Evidence Modeling of protein sequence and biophysical properties (such as structural, functional, and spatial information, amino acid conservation, physicochemical variation, residue mobility, and thermodynamic stability) indicates that this missense variant is not expected to disrupt PTCH2 protein function with a negative predictive value of 80%. In summary, the available evidence is currently insufficient to determine the role of this variant in disease. Therefore, it has been classified as a Variant of Uncertain Significance.

Ambry Genetics
Classification: Uncertain significance. Last evaluated: 2021-12-20. Review status: criteria provided, single submitter. Criteria: Ambry Variant Classification Scheme 2023. Collection method: clinical testing. Allele origin: germline.